The following is an entry in ClinVar:

NM_007294.4(BRCA1):c.1837dup (p.Arg613fs)

Gene: BRCA1 (BRCA1 DNA repair associated; minus strand). Cytogenetic location: 17q21.31.
Variant type: Duplication.
Coding change: c.1837dup on transcript NM_007294.4 (MANE Select); coding-DNA position 1837, one base duplicated (A; older notation c.1837dupA).
Protein change: p.Arg613fs; shifts the reading frame from arginine 613.
Molecular consequence: frameshift variant. On other transcripts: intron variant (137).
Genome position (GRCh38, 1-based): chr17:43,093,694, T duplicated on the plus strand (A on the coding strand, the reverse complement: BRCA1 is on the minus strand). VCF-style (leftmost placement, unchanged base first): chr17-43093693-C-CT. GRCh37 (hg19) VCF-style: chr17-41245710-C-CT.
Other names: c.1711dup, p.Arg571fs (NM_001407687.1, NM_001407689.1, NM_001407690.1 and 11 more transcripts); c.1837dup, p.Arg613fs (NM_001407593.1, NM_001407594.1, NM_001407596.1 and 30 more transcripts); c.1834dup, p.Arg612fs (NM_001407610.1, NM_001407611.1, NM_001407612.1 and 22 more transcripts); c.1828dup, p.Arg610fs (NM_001407646.1, NM_001407647.1); c.1714dup, p.Arg572fs (NM_001407648.1, NM_001407664.1, NM_001407665.1 and 19 more transcripts); c.1759dup, p.Arg587fs (NM_001407653.1, NM_001407654.1, NM_001407655.1 and 4 more transcripts); c.1756dup, p.Arg586fs (NM_001407659.1, NM_001407660.1, NM_001407661.1 and 1 more transcripts); c.1696dup, p.Arg566fs (NM_001407692.1, NM_001407694.1, NM_001407695.1 and 29 more transcripts); and 41 more; short protein forms R317fs, R445fs, R485fs, R486fs, R501fs, R502fs, R524fs, R525fs.
Identifiers: ClinVar variation 3226110 (VCV003226110.1), dbSNP rs2552198082, ClinGen allele CA2825002542.

ClinVar aggregate classification (germline): Pathogenic (1 of 4 stars; one submission).

Conditions:
Hereditary cancer-predisposing syndrome. Also called: Neoplastic Syndromes, Hereditary; Tumor predisposition; Hereditary neoplastic syndrome; Hereditary Cancer Syndrome. Identifiers: Orphanet 140162, MedGen C0027672, MeSH D009386, MONDO:0015356.

Submission:

Ambry Genetics
Classification: Pathogenic for Hereditary cancer-predisposing syndrome. Last evaluated: 2023-12-18. Review status: criteria provided, single submitter. Criteria: Ambry Variant Classification Scheme 2023. Collection method: clinical testing. Allele origin: germline.
Comment: The c.1837dupA pathogenic mutation, located in coding exon 9 of the BRCA1 gene, results from a duplication of A at nucleotide position 1837, causing a translational frameshift with a predicted alternate stop codon (p.R613Kfs*12). This variant is considered to be rare based on population cohorts in the Genome Aggregation Database (gnomAD). This alteration is expected to result in loss of function by premature protein truncation or nonsense-mediated mRNA decay. As such, this alteration is interpreted as a disease-causing mutation.